The following is an entry in ClinVar:

NM_017633.3(TENT5A):c.72CGGCGACTTCGGCGG[5] (p.26DFGGG[5])

Gene: TENT5A (terminal nucleotidyltransferase 5A; minus strand). Cytogenetic location: 6q14.1.
Variant type: Microsatellite.
Coding change: c.72CGGCGACTTCGGCGG[5] on transcript NM_017633.3 (MANE Select); five copies in a row of the 15-base unit CGGCGACTTCGGCGG starting at c.72; the reference has four copies in a row; one copy, 15 bases duplicated; also written c.117_131dup.
Protein change: p.26DFGGG[5].
Molecular consequence: inframe insertion.
Genome position (GRCh38, 1-based): chr6:81,752,011-81,752,025, CCGCCGAAGTCGCCG duplicated on the plus strand (CGGCGACTTCGGCGG on the coding strand, the reverse complement: TENT5A is on the minus strand); duplicating any 15 consecutive bases within chr6:81,752,011-81,752,072 gives the same sequence; the position shown is the placement nearest the transcript's 3' end. VCF-style (leftmost placement, unchanged base first): chr6-81752010-A-ACCGCCGAAGTCGCCG. GRCh37 (hg19) VCF-style: chr6-82461727-A-ACCGCCGAAGTCGCCG.
Other names: c.117_131dupCGGCGACTTCGGCGG (NM_017633.2); c.117_131dup (NM_017633.3).
Identifiers: ClinVar variation 769684 (VCV000769684.19), dbSNP rs754008809, ClinGen allele CA3903071.

ClinVar aggregate classification (germline): Benign/Likely benign. Review status: criteria provided, multiple submitters, no conflicts (2 of 4 stars). 8 submissions from 8 submitters: Benign (4); Likely benign (2). 2 of the submissions do not count toward it. Last evaluated 2026-02-04.

Conditions:
Osteogenesis imperfecta, type 18. Also called: OSTEOGENESIS IMPERFECTA, TYPE XVIII. Identifiers: MedGen C4693736, MONDO:0044329, OMIM 617952.

Submissions (8):

Labcorp Genetics (formerly Invitae), Labcorp
Classification: Likely benign. Last evaluated: 2026-02-04. Review status: criteria provided, single submitter. Criteria: Invitae Variant Classification Sherloc (09022015). Collection method: clinical testing. Allele origin: germline.

Laboratory of Genetics, Children's Clinical University Hospital Latvia
Classification: Benign. Last evaluated: 2025-02-16. Review status: criteria provided, single submitter. Criteria: ACMG Guidelines, 2015. Collection method: clinical testing. Allele origin: germline. Affected: yes.

Blueprint Genetics
Classification: Likely benign. Last evaluated: 2024-11-27. Review status: criteria provided, single submitter. Criteria: ACMG Guidelines, 2015. Collection method: clinical testing. Allele origin: germline.

Molecular Genetics, Royal Melbourne Hospital
Classification: Benign for Osteogenesis imperfecta, type 18. Last evaluated: 2023-05-04. Review status: criteria provided, single submitter. Criteria: ACMG Guidelines, 2015. Collection method: clinical testing. Allele origin: germline. Affected: yes.
Comment: African/African American population allele frequency is 50.47% (rs373591596, 3735/7202 alleles, 1066 homozygotes in gnomAD v2.1). Based on the classification scheme RMH Modified ACMG/AMP Guidelines v1.4.0, this variant is classified as BENIGN. Following criteria are met: BA1

GeneDx
Classification: Benign. Last evaluated: 2020-09-15. Review status: criteria provided, single submitter. Criteria: GeneDx Variant Classification Process June 2021. Collection method: clinical testing. Allele origin: germline. Affected: yes.

Dubai Health Genomic Medicine Center, Dubai Health
Classification: Benign for Osteogenesis imperfecta, type 18. Last evaluated: 2020-07-19. Review status: criteria provided, single submitter. Criteria: ACMG Guidelines, 2015. Collection method: clinical testing. Allele origin: germline. Affected: yes.

Clinical Genetics DNA and cytogenetics Diagnostics Lab, Erasmus MC, Erasmus Medical Center
Classification: Benign. Review status: no assertion criteria provided. Collection method: clinical testing. Allele origin: germline. Affected: yes. Study: VKGL Data-share Consensus. Not counted in ClinVar's aggregate classification.

Genome Diagnostics Laboratory, Amsterdam University Medical Center
Classification: Benign. Review status: no assertion criteria provided. Collection method: clinical testing. Allele origin: germline. Affected: yes. Study: VKGL Data-share Consensus. Not counted in ClinVar's aggregate classification.